The following is an entry in ClinVar:

NM_015338.6(ASXL1):c.3170A>T (p.Asp1057Val)

Gene: ASXL1 (ASXL transcriptional regulator 1; plus strand). Cytogenetic location: 20q11.21.
Variant type: single nucleotide variant.
Coding change: c.3170A>T on transcript NM_015338.6 (MANE Select); coding-DNA position 3170, A replaced by T.
Protein change: p.Asp1057Val; replaces aspartic acid 1057 with valine.
Molecular consequence: missense variant.
Genome position (GRCh38, 1-based): chr20:32,435,882, A>T. VCF-style: chr20-32435882-A-T. GRCh37 (hg19) VCF-style: chr20-31023685-A-T.
Other names: c.2987A>T, p.Asp996Val (NM_001363734.1); short protein forms D1057V, D996V.
Identifiers: ClinVar variation 3955976 (VCV003955976.1).
Genomic context (GRCh38, chr20:32,435,882, plus strand): 5'-GGAACCAATCTGCCCCACTGTCCAAGGTGAATGGTGACATGCGTCTGGTTACAAGGACAG[A>T]TGGGATGGTTGCTCCTCAGAGCTGGGTGTCTCGAGTATGTGCGGTCCGCCAAAAGATCCC-3'
Protein context (NP_056153.2, residues 1047-1067): NGDMRLVTRT[Asp1057Val]GMVAPQSWVS

ClinVar aggregate classification (germline): Uncertain significance (1 of 4 stars; one submission).

Conditions:
Inborn genetic diseases. Identifiers: MedGen C0950123, MeSH D030342.

Submission:

Ambry Genetics
Classification: Uncertain significance for Inborn genetic diseases. Last evaluated: 2025-04-09. Review status: criteria provided, single submitter. Criteria: Ambry Variant Classification Scheme 2023. Collection method: clinical testing. Allele origin: germline.
Comment: The p.D1057V variant (also known as c.3170A>T), located in coding exon 13 of the ASXL1 gene, results from an A to T substitution at nucleotide position 3170. The aspartic acid at codon 1057 is replaced by valine, an amino acid with highly dissimilar properties. This amino acid position is conserved. In addition, this alteration is predicted to be tolerated by in silico analysis. Based on the available evidence, the clinical significance of this variant remains unclear.